The following is an entry in ClinVar:

ClinVar aggregate classification (germline): Uncertain significance (1 of 4 stars; one submission).

Conditions:
Epidermolysis bullosa simplex 5B, with muscular dystrophy (EBS5B). Also called: Epidermolysis bullosa simplex with muscular dystrophy; EPIDERMOLYSIS BULLOSA SIMPLEX AND LIMB-GIRDLE MUSCULAR DYSTROPHY. Identifiers: Orphanet 257, MedGen C2931072, MONDO:0009181, OMIM 226670.
Autosomal recessive limb-girdle muscular dystrophy type 2Q (LGMDR17). Also called: MUSCULAR DYSTROPHY, LIMB-GIRDLE, AUTOSOMAL RECESSIVE 17. Identifiers: Orphanet 254361, MedGen C3150989, MONDO:0013390, OMIM 613723.
Epidermolysis bullosa simplex with nail dystrophy (EBS5D). Identifiers: MedGen C4225309, MONDO:0014661, OMIM 616487.
Epidermolysis bullosa simplex 5C, with pyloric atresia (EBS5C). Also called: PLEC-Related Epidermolysis Bullosa with Pyloric Atresia; Epidermolysis bullosa simplex with pyloric atresia; PLEC1-Related Epidermolysis Bullosa with Pyloric Atresia. Identifiers: Orphanet 158684, MedGen C2677349, MONDO:0012807, OMIM 612138.
Epidermolysis bullosa simplex, Ogna type (EBS5A). Also called: Pidermolysis bullosa simplex 5A, Ogna type; EPIDERMOLYSIS BULLOSA SIMPLEX 5A, OGNA TYPE. Identifiers: Orphanet 79401, MedGen C0432317, MONDO:0007555, OMIM 131950.

Submission:

Labcorp Genetics (formerly Invitae), Labcorp
Classification: Uncertain significance for Autosomal recessive limb-girdle muscular dystrophy type 2Q; Epidermolysis bullosa simplex, Ogna type; Epidermolysis bullosa simplex with nail dystrophy; Epidermolysis bullosa simplex 5C, with pyloric atresia; Epidermolysis bullosa simplex 5B, with muscular dystrophy. Last evaluated: 2019-10-27. Review status: criteria provided, single submitter. Criteria: Invitae Variant Classification Sherloc (09022015). Collection method: clinical testing. Allele origin: germline.
Comment: This sequence change replaces glutamic acid with alanine at codon 1753 of the PLEC protein (p.Glu1753Ala). The glutamic acid residue is highly conserved and there is a moderate physicochemical difference between glutamic acid and alanine. The frequency data for this variant in the population databases is considered unreliable, as metrics indicate insufficient coverage at this position in the ExAC database. This variant has not been reported in the literature in individuals with PLEC-related conditions. Algorithms developed to predict the effect of missense changes on protein structure and function are either unavailable or do not agree on the potential impact of this missense change (SIFT: Deleterious; PolyPhen-2: Not Available; Align-GVGD: Class C0). In summary, the available evidence is currently insufficient to determine the role of this variant in disease. Therefore, it has been classified as a Variant of Uncertain Significance.

NM_201384.3(PLEC):c.5177A>C (p.Glu1726Ala)

Gene: PLEC (plectin; minus strand). Cytogenetic location: 8q24.3.
Variant type: single nucleotide variant.
Coding change: c.5177A>C on transcript NM_201384.3 (MANE Select); coding-DNA position 5177, A replaced by C.
Protein change: p.Glu1726Ala; replaces glutamic acid 1726 with alanine.
Molecular consequence: missense variant.
Genome position (GRCh38, 1-based): chr8:143,924,752, T>G on the plus strand (A>C on the coding strand, the complement: PLEC is on the minus strand). VCF-style: chr8-143924752-T-G. GRCh37 (hg19) VCF-style: chr8-144998920-T-G.
Other names: c.5258A>C, p.Glu1753Ala (NM_000445.5); c.5135A>C, p.Glu1712Ala (NM_201378.4); c.5111A>C, p.Glu1704Ala (NM_201379.3); c.5588A>C, p.Glu1863Ala (NM_201380.4); c.5081A>C, p.Glu1694Ala (NM_201381.3); c.5177A>C, p.Glu1726Ala (NM_201382.4); c.5189A>C, p.Glu1730Ala (NM_201383.3); short protein forms E1704A, E1712A, E1726A, E1694A, E1753A, E1730A, E1863A.
Identifiers: ClinVar variation 971559 (VCV000971559.2), dbSNP rs1824310380, ClinGen allele CA372549075.